The following is an entry in ClinVar:

ClinVar aggregate classification (germline): Uncertain significance (1 of 4 stars; one submission).

Conditions:
GNAS-related disorder. Identifiers: MedGen CN380105.

Submission:

PreventionGenetics, part of Exact Sciences
Classification: Uncertain significance for GNAS-related condition. Last evaluated: 2025-03-22. Review status: criteria provided, single submitter. Criteria: ACMG Guidelines, 2015. Collection method: clinical testing. Allele origin: germline.
Comment: The GNAS c.1190T>G variant is predicted to result in the amino acid substitution p.Leu397Arg. To our knowledge, this variant has not been reported in the literature or in a large population database (gnomAD), indicating this variant is rare. At this time, the clinical significance of this variant is uncertain due to the absence of conclusive functional and genetic evidence.

NM_080425.4(GNAS):c.1377T>G (p.Pro459=)

Gene: GNAS (GNAS complex locus; plus strand). Cytogenetic location: 20q13.32.
Variant type: single nucleotide variant.
Coding change: c.1377T>G on transcript NM_080425.4 (MANE Plus Clinical); coding-DNA position 1377, T replaced by G.
Protein change: p.Pro459=; no amino-acid change (proline 459 retained).
Molecular consequence: synonymous variant. On other transcripts: missense variant (2), intron variant (3).
Genome position (GRCh38, 1-based): chr20:58,854,642, T>G. VCF-style: chr20-58854642-T-G. GRCh37 (hg19) VCF-style: chr20-57429697-T-G.
Other names: c.1190T>G, p.Leu397Arg (NM_001077490.3, NM_001309883.1); c.1377T>G, p.Pro459= (NM_001410913.1); c.*42+13756T>G (NM_016592.5); c.43+13756T>G (NM_001410912.1); c.-39+12767T>G (NM_001309861.2); short protein forms L397R.
Identifiers: ClinVar variation 4978771 (VCV004978771.1).